The following is an entry in ClinVar:

NM_001379081.2(FREM1):c.1321G>A (p.Asp441Asn)

Gene: FREM1 (FRAS1 related extracellular matrix 1; minus strand). Cytogenetic location: 9p22.3.
Variant type: single nucleotide variant.
Coding change: c.1321G>A on transcript NM_001379081.2 (MANE Select); coding-DNA position 1321, G replaced by A.
Protein change: p.Asp441Asn; replaces aspartic acid 441 with asparagine.
Molecular consequence: missense variant. On other transcripts: non-coding transcript variant (2).
Genome position (GRCh38, 1-based): chr9:14,846,032, C>T on the plus strand (G>A on the coding strand, the complement: FREM1 is on the minus strand). VCF-style: chr9-14846032-C-T. GRCh37 (hg19) VCF-style: chr9-14846030-C-T.
Other names: c.1321G>A (NM_144966.5); c.1321G>A, p.Asp441Asn (NM_144966.7); short protein forms D441N.
Identifiers: ClinVar variation 1979019 (VCV001979019.6), dbSNP rs201154402, ClinGen allele CA4991290.
Genomic context (GRCh38, chr9:14,846,032, plus strand): 5'-GCCATCCATGCTGCAGGCCACCAACGGTGACTAGCCGGACAGCACCAATGTCGTCATTGT[C>T]GACAACCTGAAACTGTTCCCAAGTGATGGCTCGAGACTGCCCCTCAAGGAGACTCAGACC-3'
Protein context (NP_001366010.1, residues 431-451): AITWEQFQVV[Asp441Asn]NDDIGAVRLV

ClinVar aggregate classification (germline): Uncertain significance. Review status: criteria provided, multiple submitters, no conflicts (2 of 4 stars). 3 submissions from 3 submitters: Uncertain significance (3). Last evaluated 2024-08-20.

Conditions:
Inborn genetic diseases. Identifiers: MedGen C0950123, MeSH D030342.
BNAR syndrome. Also called: Bifid Nose With or Without Anorectal and Renal Anomalies (BNAR) Syndrome. Identifiers: Orphanet 217266, MedGen C2750433, MONDO:0012165, OMIM 608980.
Oculotrichoanal syndrome (MOTA). Also called: MARLES SYNDROME; Manitoba Oculotrichoanal (MOTA) Syndrome. Identifiers: Orphanet 2717, MedGen C1855425, MONDO:0009560, OMIM 248450.
Trigonocephaly 2 (TRIGNO2). Identifiers: Orphanet 3366, MedGen C3280974, MONDO:0013774, OMIM 614485.

Allele frequency attached by ClinVar (database versions not stated): 1000 Genomes Project 30x 0.00016.
gnomAD v4.1: 58 of 1,610,242 alleles (0.0036%); highest among the groups gnomAD compares: Non-Finnish European, 0.0041%; no homozygotes.

Submissions (3):

Ambry Genetics
Classification: Uncertain significance for Inborn genetic diseases. Last evaluated: 2024-08-20. Review status: criteria provided, single submitter. Criteria: Ambry Variant Classification Scheme 2023. Collection method: clinical testing. Allele origin: germline.

Fulgent Genetics
Classification: Uncertain significance for Oculotrichoanal syndrome; BNAR syndrome; Trigonocephaly 2. Last evaluated: 2024-03-06. Review status: criteria provided, single submitter. Criteria: ACMG Guidelines, 2015. Collection method: clinical testing. Allele origin: germline.

Labcorp Genetics (formerly Invitae), Labcorp
Classification: Uncertain significance. Last evaluated: 2022-08-22. Review status: criteria provided, single submitter. Criteria: Invitae Variant Classification Sherloc (09022015). Collection method: clinical testing. Allele origin: germline.
Comment: This sequence change replaces aspartic acid, which is acidic and polar, with asparagine, which is neutral and polar, at codon 441 of the FREM1 protein (p.Asp441Asn). This variant is present in population databases (rs201154402, gnomAD 0.005%). In summary, the available evidence is currently insufficient to determine the role of this variant in disease. Therefore, it has been classified as a Variant of Uncertain Significance. Algorithms developed to predict the effect of missense changes on protein structure and function are either unavailable or do not agree on the potential impact of this missense change (SIFT: "Tolerated"; PolyPhen-2: "Probably Damaging"; Align-GVGD: "Class C0"). This variant has not been reported in the literature in individuals affected with FREM1-related conditions.